The following is an entry in ClinVar:

NM_001943.5(DSG2):c.82-12C>T

Gene: DSG2 (desmoglein 2; plus strand). Cytogenetic location: 18q12.1.
Variant type: single nucleotide variant.
Coding change: c.82-12C>T on transcript NM_001943.5 (MANE Select); 12 bases into the intron before coding-DNA position 82, C replaced by T.
Molecular consequence: intron variant.
Genome position (GRCh38, 1-based): chr18:31,519,791, C>T. VCF-style: chr18-31519791-C-T. GRCh37 (hg19) VCF-style: chr18-29099754-C-T.
Identifiers: ClinVar variation 3073190 (VCV003073190.3), dbSNP rs1301893978, ClinGen allele CA629147993.

ClinVar aggregate classification (germline): Likely benign. Review status: criteria provided, multiple submitters, no conflicts (2 of 4 stars). 2 submissions from 2 submitters: Likely benign (2). Last evaluated 2024-09-09.

Conditions:
Arrhythmogenic right ventricular dysplasia 10. Also called: ARRHYTHMOGENIC RIGHT VENTRICULAR DYSPLASIA, FAMILIAL, 10; Arrhythmogenic Right Ventricular Dysplasia/Cardiomyopathy10; Arrhythmogenic right ventricular dysplasia/cardiomyopathy, type 10. Identifiers: MedGen C1857777, MONDO:0012434, OMIM 610193.
Arrhythmogenic right ventricular cardiomyopathy (ARVD). Also called: Arrhythmogenic right ventricular dysplasia; Cardiomyopathy, ARVC; Arrhythmogenic cardiomyopathy; Arrhythmogenic Right Ventricular Cardiomyopathy (ARVC). Identifiers: Orphanet 247, MedGen C0349788, MeSH D019571, MONDO:0016587. Disease mechanism: loss of function. Inheritance: Various modes of inheritance.

Allele frequency attached by ClinVar (database versions not stated): gnomAD exomes below 0.00001.
gnomAD v4.1: 2 of 1,613,564 alleles (0.00012%); highest among the groups gnomAD compares: Non-Finnish European, 0.00017%; no homozygotes.

Submissions (2):

Labcorp Genetics (formerly Invitae), Labcorp
Classification: Likely benign for Arrhythmogenic right ventricular dysplasia 10. Last evaluated: 2024-09-09. Review status: criteria provided, single submitter. Criteria: Invitae Variant Classification Sherloc (09022015). Collection method: clinical testing. Allele origin: germline.

All of Us Research Program, National Institutes of Health
Classification: Likely benign for Arrhythmogenic right ventricular cardiomyopathy. Last evaluated: 2023-08-28. Review status: criteria provided, single submitter. Criteria: ACMG Guidelines, 2015. Collection method: clinical testing. Allele origin: germline. Inheritance: Autosomal dominant inheritance. Observed: 1 variant allele, 1 heterozygote.
Comment: This study involves interpretation of variants in research participants for the purpose of population health screening. Participant phenotype was not available at the time of variant classification. Additional details can be found in publication PMID: 35346344, PMCID: PMC8962531